The following is an entry in ClinVar:

NM_001868.4(CPA1):c.939G>A (p.Met313Ile)

Gene: CPA1 (carboxypeptidase A1; plus strand). Cytogenetic location: 7q32.2.
Variant type: single nucleotide variant.
Coding change: c.939G>A on transcript NM_001868.4 (MANE Select); coding-DNA position 939, G replaced by A.
Protein change: p.Met313Ile; replaces methionine 313 with isoleucine.
Molecular consequence: missense variant.
Genome position (GRCh38, 1-based): chr7:130,385,297, G>A. VCF-style: chr7-130385297-G-A. GRCh37 (hg19) VCF-style: chr7-130025138-G-A.
Other names: short protein forms M313I.
Identifiers: ClinVar variation 1766791 (VCV001766791.9), dbSNP rs781791429, ClinGen allele CA4484994.

ClinVar aggregate classification (germline): Uncertain significance. Review status: criteria provided, multiple submitters, no conflicts (2 of 4 stars). 2 submissions from 2 submitters: Uncertain significance (2). Last evaluated 2025-10-26.

Conditions:
Hereditary pancreatitis (PCTT). Also called: PRSS1-Related Hereditary Pancreatitis; Hereditary chronic pancreatitis. Identifiers: Orphanet 676, MedGen C0238339, MONDO:0008185, OMIM 167800.

Allele frequency attached by ClinVar (database versions not stated): ExAC 0.00001; gnomAD exomes 0.00001.
gnomAD v4.1: 15 of 1,614,224 alleles (0.00093%); highest among the groups gnomAD compares: Non-Finnish European, 0.0013%; no homozygotes.

Submissions (2):

Ambry Genetics
Classification: Uncertain significance for Hereditary pancreatitis. Last evaluated: 2025-10-26. Review status: criteria provided, single submitter. Criteria: Ambry Variant Classification Scheme 2023. Collection method: clinical testing. Allele origin: germline.
Comment: The p.M313I variant (also known as c.939G>A), located in coding exon 8 of the CPA1 gene, results from a G to A substitution at nucleotide position 939. The methionine at codon 313 is replaced by isoleucine, an amino acid with highly similar properties. This amino acid position is poorly conserved in available vertebrate species. In addition, this alteration is predicted to be tolerated by in silico analysis. Since supporting evidence is limited at this time, the clinical significance of this alteration remains unclear.

Labcorp Genetics (formerly Invitae), Labcorp
Classification: Uncertain significance. Last evaluated: 2023-06-27. Review status: criteria provided, single submitter. Criteria: Invitae Variant Classification Sherloc (09022015). Collection method: clinical testing. Allele origin: germline.
Comment: In summary, the available evidence is currently insufficient to determine the role of this variant in disease. Therefore, it has been classified as a Variant of Uncertain Significance. Advanced modeling of protein sequence and biophysical properties (such as structural, functional, and spatial information, amino acid conservation, physicochemical variation, residue mobility, and thermodynamic stability) performed at Invitae indicates that this missense variant is not expected to disrupt CPA1 protein function. ClinVar contains an entry for this variant (Variation ID: 1766791). This variant has not been reported in the literature in individuals affected with CPA1-related conditions. This variant is present in population databases (rs781791429, gnomAD 0.0009%). This sequence change replaces methionine, which is neutral and non-polar, with isoleucine, which is neutral and non-polar, at codon 313 of the CPA1 protein (p.Met313Ile).